The following is an entry in ClinVar:

ClinVar aggregate classification (germline): Uncertain significance (1 of 4 stars; one submission).

Conditions:
Hereditary diffuse gastric adenocarcinoma (HDGC). Also called: DIFFUSE GASTRIC AND LOBULAR BREAST CANCER SYNDROME. Identifiers: Orphanet 26106, MedGen C1708349, MONDO:0007648, OMIM 137215.

Allele frequency attached by ClinVar (database versions not stated): TOPMed below 0.00001.

Submission:

Labcorp Genetics (formerly Invitae), Labcorp
Classification: Uncertain significance for Hereditary diffuse gastric adenocarcinoma. Last evaluated: 2022-02-18. Review status: criteria provided, single submitter. Criteria: Invitae Variant Classification Sherloc (09022015). Collection method: clinical testing. Allele origin: germline.
Comment: In summary, the available evidence is currently insufficient to determine the role of this variant in disease. Therefore, it has been classified as a Variant of Uncertain Significance. This sequence change falls in intron 13 of the CDH1 gene. It does not directly change the encoded amino acid sequence of the CDH1 protein. It affects a nucleotide within the consensus splice site. This variant is not present in population databases (gnomAD no frequency). This variant has not been reported in the literature in individuals affected with CDH1-related conditions. ClinVar contains an entry for this variant (Variation ID: 1040431). Variants that disrupt the consensus splice site are a relatively common cause of aberrant splicing (PMID: 17576681, 9536098). Algorithms developed to predict the effect of sequence changes on RNA splicing suggest that this variant may disrupt the consensus splice site.

Literature cited by the submitters: PubMed 17576681; PubMed 9536098.

NM_004360.5(CDH1):c.2164+4A>C

Gene: CDH1 (cadherin 1; plus strand). Cytogenetic location: 16q22.1.
Variant type: single nucleotide variant.
Coding change: c.2164+4A>C on transcript NM_004360.5 (MANE Select); 4 bases into the intron after coding-DNA position 2164, A replaced by C.
Molecular consequence: intron variant.
Genome position (GRCh38, 1-based): chr16:68,823,630, A>C. VCF-style: chr16-68823630-A-C. GRCh37 (hg19) VCF-style: chr16-68857533-A-C.
Other names: c.616+4A>C (NM_001317185.2); c.199+4A>C (NM_001317186.2); c.1981+4A>C (NM_001317184.2).
Identifiers: ClinVar variation 1040431 (VCV001040431.7), dbSNP rs1961238672, ClinGen allele CA2229983556.
Genomic context (GRCh38, chr16:68,823,630, plus strand): 5'-CAGGATTGCAAATTCCTGCCATTCTGGGGATTCTTGGAGGAATTCTTGCTTTGCTAAGTA[A>C]GTCCAGCTGGCAAGTGACTCAGCCTTTGACTTAAAAAAATGGAGGAGGTTTATTTCCTGG-3'